The following is an entry in ClinVar:

NM_001277115.2(DNAH11):c.8705G>C (p.Gly2902Ala)

Gene: DNAH11 (dynein axonemal heavy chain 11; plus strand). Cytogenetic location: 7p15.3.
Variant type: single nucleotide variant.
Coding change: c.8705G>C on transcript NM_001277115.2 (MANE Select); coding-DNA position 8705, G replaced by C.
Protein change: p.Gly2902Ala; replaces glycine 2902 with alanine.
Molecular consequence: missense variant.
Genome position (GRCh38, 1-based): chr7:21,749,709, G>C. VCF-style: chr7-21749709-G-C. GRCh37 (hg19) VCF-style: chr7-21789327-G-C.
Other names: c.8726G>C, p.Gly2909Ala (NM_003777.3); short protein forms G2902A, G2909A.
Identifiers: ClinVar variation 1764377 (VCV001764377.2), dbSNP rs2535134614, ClinGen allele CA366955751.

ClinVar aggregate classification (germline): Uncertain significance (1 of 4 stars; one submission).

Conditions:
Primary ciliary dyskinesia. Also called: Ciliary dyskinesia. Identifiers: Orphanet 244, MedGen C0008780, MONDO:0016575, HP:0012265.

Submission:

Ambry Genetics
Classification: Uncertain significance for Primary ciliary dyskinesia. Last evaluated: 2015-08-26. Review status: criteria provided, single submitter. Criteria: Ambry Variant Classification Scheme 2023. Collection method: clinical testing. Allele origin: germline.
Comment: The p.G2902A variant (also known as c.8705G>C), located in coding exon 53 of the DNAH11 gene, results from a G to C substitution at nucleotide position 8705. The glycine at codon 2902 is replaced by alanine, an amino acid with similar properties. This variant was not reported in population based cohorts in the following databases: Database of Single Nucleotide Polymorphisms (dbSNP), NHLBI Exome Sequencing Project (ESP), and 1000 Genomes Project. In the ESP, this variant was not observed in 6297 samples (12594 alleles) with coverage at this position. This amino acid position is highly conserved in available vertebrate species. In addition, this alteration is predicted to be tolerated by in silico analysis. Since supporting evidence is limited at this time, the clinical significance of p.G2902A remains unclear.